The following is an entry in ClinVar:

ClinVar aggregate classification (germline): Uncertain significance (1 of 4 stars; one submission).

gnomAD v4.1: 30 of 1,613,620 alleles (0.0019%); highest among the groups gnomAD compares: Non-Finnish European, 0.0025%; no homozygotes.

Submission:

GeneDx
Classification: Uncertain significance. Last evaluated: 2023-07-06. Review status: criteria provided, single submitter. Criteria: GeneDx Variant Classification Process June 2021. Collection method: clinical testing. Allele origin: germline. Affected: yes.
Comment: In silico analysis supports that this missense variant does not alter protein structure/function; Has not been previously published as pathogenic or benign to our knowledge

NM_177939.3(P4HTM):c.1340C>T (p.Thr447Met)

Gene: P4HTM (prolyl 4-hydroxylase, transmembrane; plus strand). Cytogenetic location: 3p21.31.
Variant type: single nucleotide variant.
Coding change: c.1340C>T on transcript NM_177939.3 (MANE Select); coding-DNA position 1340, C replaced by T.
Protein change: p.Thr447Met; replaces threonine 447 with methionine.
Molecular consequence: missense variant.
Genome position (GRCh38, 1-based): chr3:49,006,738, C>T. VCF-style: chr3-49006738-C-T. GRCh37 (hg19) VCF-style: chr3-49044171-C-T.
Other names: c.1523C>T, p.Thr508Met (NM_177938.2); short protein forms T447M, T508M.
Identifiers: ClinVar variation 3360771 (VCV003360771.1).